The following is an entry in ClinVar:

ClinVar aggregate classification (germline): Likely pathogenic (1 of 4 stars; one submission).

Conditions:
Gaucher disease. Also called: Acute cerebral Gaucher disease; Cerebroside lipidosis syndrome; Gaucher splenomegaly; Sphingolipidosis 1; Glucocerebrosidosis; Glucosylceramidase deficiency. Identifiers: Orphanet 355, MedGen C0017205, MONDO:0018150.

gnomAD v4.1: 1 of 1,614,050 alleles (0.000062%); highest among the groups gnomAD compares: Non-Finnish European, 0.000085%; no homozygotes.

Submission:

Natera, Inc.
Classification: Likely pathogenic for Gaucher disease. Last evaluated: 2024-10-21. Review status: criteria provided, single submitter. Criteria: Natera Variant Classification Schema (03/2026). Collection method: clinical testing. Allele origin: germline.
Comment: The c.358T>C variant in GBA1 is a missense variant predicted to cause substitution of phenylalanine to leucine at amino acid 120. This variant is rare in the general population with a frequency below the threshold expected for the associated phenotype(s). This variant has been observed in one or more individuals affected with the associated recessive disease, as either homozygous or compound heterozygous with a second variant (PMID: 32547927). Functional studies show that this variant may disrupt protein function (PMID: 32547927). Computational prediction algorithms indicate this variant is likely to affect gene or protein function. Given the available evidence, this variant is classified as Likely Pathogenic.

Literature cited by the submitters: PubMed 32547927.

NM_000157.4(GBA1):c.358T>C (p.Phe120Leu)

Genes: GBA1 (glucosylceramidase beta 1; minus strand), LOC106627981 (GBA recombination region; plus strand). Cytogenetic location: 1q22.
Variant type: single nucleotide variant.
Coding change: c.358T>C on transcript NM_000157.4 (MANE Select); coding-DNA position 358, T replaced by C.
Protein change: p.Phe120Leu; replaces phenylalanine 120 with leucine.
Molecular consequence: missense variant. On other transcripts: intron variant (1).
Genome position (GRCh38, 1-based): chr1:155,239,712, A>G on the plus strand (T>C on the coding strand, the complement: GBA1 is on the minus strand). VCF-style: chr1-155239712-A-G. GRCh37 (hg19) VCF-style: chr1-155209503-A-G.
Other names: c.358T>C, p.Phe120Leu (NM_001005741.3, NM_001005742.3); c.97T>C, p.Phe33Leu (NM_001171811.2); c.307+174T>C (NM_001171812.2); short protein forms F120L, F33L.
Identifiers: ClinVar variation 4817755 (VCV004817755.1).